The following is an entry in ClinVar:

NM_017570.5(OPLAH):c.3571C>T (p.Leu1191=)

Gene: OPLAH (5-oxoprolinase, ATP-hydrolysing; minus strand). Cytogenetic location: 8q24.3.
Variant type: single nucleotide variant.
Coding change: c.3571C>T on transcript NM_017570.5 (MANE Select); coding-DNA position 3571, C replaced by T.
Protein change: p.Leu1191=; no amino-acid change (leucine 1191 retained).
Molecular consequence: synonymous variant.
Genome position (GRCh38, 1-based): chr8:144,051,967, G>A on the plus strand (C>T on the coding strand, the complement: OPLAH is on the minus strand). VCF-style: chr8-144051967-G-A. GRCh37 (hg19) VCF-style: chr8-145106868-G-A.
Identifiers: ClinVar variation 776390 (VCV000776390.13), dbSNP rs61740339, ClinGen allele CA4931107.

ClinVar aggregate classification (germline): Benign/Likely benign. Review status: criteria provided, multiple submitters, no conflicts (2 of 4 stars). 4 submissions from 4 submitters: Benign (3); Likely benign (1). Last evaluated 2026-01-15.

Conditions:
OPLAH-related disorder. Also called: OPLAH-related condition.
5-Oxoprolinase deficiency (OPLAHD). Also called: 5-OXOPROLINURIA DUE TO 5-OXOPROLINASE DEFICIENCY. Identifiers: Orphanet 33572, MedGen C0268525, MONDO:0009825, OMIM 260005, HP:0040142.

Allele frequency attached by ClinVar (database versions not stated): gnomAD exomes 0.00179; ExAC 0.00515; 1000 Genomes Project 0.00739; ESP Exome Variant Server 0.00791; gnomAD 0.00886 and 0.00958; 1000 Genomes Project 30x 0.00906; TOPMed 0.00989.
gnomAD v4.1: 2,599 of 1,572,448 alleles (0.17%); highest among the groups gnomAD compares: African/African-American, 3.1%; 38 homozygotes.

Submissions (4):

Labcorp Genetics (formerly Invitae), Labcorp
Classification: Benign for 5-Oxoprolinase deficiency. Last evaluated: 2026-01-15. Review status: criteria provided, single submitter. Criteria: Invitae Variant Classification Sherloc (09022015). Collection method: clinical testing. Allele origin: germline.

PreventionGenetics, part of Exact Sciences
Classification: Benign for OPLAH-related condition. Last evaluated: 2025-04-01. Review status: criteria provided, single submitter. Criteria: ACMG Guidelines, 2015. Collection method: clinical testing. Allele origin: germline.
Comment: This variant is classified as benign based on ACMG/AMP sequence variant interpretation guidelines (Richards et al. 2015 PMID: 25741868, with internal and published modifications).

Fulgent Genetics
Classification: Likely benign for 5-Oxoprolinase deficiency. Last evaluated: 2021-07-30. Review status: criteria provided, single submitter. Criteria: ACMG Guidelines, 2015. Collection method: clinical testing. Allele origin: unknown.

Breakthrough Genomics
Classification: Benign. Review status: criteria provided, single submitter. Criteria: ACMG Guidelines, 2015. Collection method: not provided. Allele origin: germline. Inheritance: Autosomal recessive inheritance. Affected: yes.